The following is an entry in ClinVar:

NM_139276.3(STAT3):c.1943T>C (p.Met648Thr)

Gene: STAT3 (signal transducer and activator of transcription 3; minus strand). Cytogenetic location: 17q21.2.
Variant type: single nucleotide variant.
Coding change: c.1943T>C on transcript NM_139276.3 (MANE Select); coding-DNA position 1943, T replaced by C.
Protein change: p.Met648Thr; replaces methionine 648 with threonine.
Molecular consequence: missense variant.
Genome position (GRCh38, 1-based): chr17:42,322,440, A>G on the plus strand (T>C on the coding strand, the complement: STAT3 is on the minus strand). VCF-style: chr17-42322440-A-G. GRCh37 (hg19) VCF-style: chr17-40474458-A-G.
Other names: c.1943T>C, p.Met648Thr (NM_001369512.1, NM_001369513.1, NM_001369514.1 and 9 more transcripts); c.1859T>C, p.Met620Thr (NM_001384984.1); c.1865T>C, p.Met622Thr (NM_001384985.1); c.1958T>C, p.Met653Thr (NM_001384986.1, NM_001384990.1); c.1922T>C, p.Met641Thr (NM_001384987.1); c.1847T>C, p.Met616Thr (NM_001384989.1); c.1916T>C, p.Met639Thr (NM_001384991.1); c.1883T>C, p.Met628Thr (NM_001384992.1); short protein forms M616T, M620T, M622T, M628T, M639T, M641T, M648T, M653T.
Identifiers: ClinVar variation 1714838 (VCV001714838.7), dbSNP rs1064796922, ClinGen allele CA399582284.

ClinVar aggregate classification (germline): Uncertain significance. Review status: criteria provided, multiple submitters, no conflicts (2 of 4 stars). 2 submissions from 2 submitters: Uncertain significance (2). Last evaluated 2024-03-23.

Conditions:
STAT3 gain of function. Identifiers: MedGen C4288261.
Hyper-IgE recurrent infection syndrome 1, autosomal dominant. Also called: JOB SYNDROME; Hyper-IgE recurrent infection syndrome 1; Job's Syndrome; STAT3 Hyper IgE Syndrome; HYPER-IgE SYNDROME 1, AUTOSOMAL DOMINANT, WITH RECURRENT INFECTIONS. Identifiers: Orphanet 2314, MedGen C2936739, MONDO:0007818, OMIM 147060.

Submissions (2):

Blueprint Genetics
Classification: Uncertain significance. Last evaluated: 2024-03-23. Review status: criteria provided, single submitter. Criteria: ACMG Guidelines, 2015. Collection method: clinical testing. Allele origin: germline.

Labcorp Genetics (formerly Invitae), Labcorp
Classification: Uncertain significance for STAT3 gain of function; Hyper-IgE recurrent infection syndrome 1, autosomal dominant. Last evaluated: 2022-08-02. Review status: criteria provided, single submitter. Criteria: Invitae Variant Classification Sherloc (09022015). Collection method: clinical testing. Allele origin: germline.
Comment: This variant is not present in population databases (gnomAD no frequency). This variant has not been reported in the literature in individuals affected with STAT3-related conditions. Advanced modeling of protein sequence and biophysical properties (such as structural, functional, and spatial information, amino acid conservation, physicochemical variation, residue mobility, and thermodynamic stability) performed at Invitae indicates that this missense variant is expected to disrupt STAT3 protein function. In summary, the available evidence is currently insufficient to determine the role of this variant in disease. Therefore, it has been classified as a Variant of Uncertain Significance. This sequence change replaces methionine, which is neutral and non-polar, with threonine, which is neutral and polar, at codon 648 of the STAT3 protein (p.Met648Thr).